The following is an entry in ClinVar:

ClinVar aggregate classification (germline): Uncertain significance (1 of 4 stars; one submission).

Submission:

GeneDx
Classification: Uncertain significance. Last evaluated: 2023-10-23. Review status: criteria provided, single submitter. Criteria: GeneDx Variant Classification Process June 2021. Collection method: clinical testing. Allele origin: germline. Affected: yes.
Comment: Not observed at significant frequency in large population cohorts (gnomAD); In silico analysis supports that this missense variant has a deleterious effect on protein structure/function; Has not been previously published as pathogenic or benign to our knowledge

NM_019597.5(HNRNPH2):c.881G>T (p.Arg294Met)

Genes: HNRNPH2 (heterogeneous nuclear ribonucleoprotein H2; plus strand), RPL36A-HNRNPH2 (RPL36A-HNRNPH2 readthrough; plus strand). Cytogenetic location: Xq22.1.
Variant type: single nucleotide variant.
Coding change: c.881G>T on transcript NM_019597.5 (MANE Select); coding-DNA position 881, G replaced by T.
Protein change: p.Arg294Met; replaces arginine 294 with methionine.
Molecular consequence: missense variant. On other transcripts: 3 prime UTR variant (2).
Genome position (GRCh38, 1-based): chrX:101,412,869, G>T. VCF-style: chrX-101412869-G-T. GRCh37 (hg19) VCF-style: chrX-100667857-G-T.
Other names: c.*877G>T (NM_001199973.2, NM_001199974.2); c.881G>T, p.Arg294Met (NM_001032393.3); short protein forms R294M.
Identifiers: ClinVar variation 3366086 (VCV003366086.1).
Genomic context (GRCh38, chrX:101,412,869, plus strand): 5'-ATAGATACGGAGATGGTGGGTCCAGTTTCCAGAGCACCACAGGGCACTGTGTACACATGA[G>T]GGGGTTACCTTACAGAGCCACTGAGAATGATATTTATAATTTCTTCTCACCTCTTAATCC-3'
Protein context (NP_062543.1, residues 284-304): QSTTGHCVHM[Arg294Met]GLPYRATEND